The following is an entry in ClinVar:

ClinVar aggregate classification (germline): Uncertain significance (1 of 4 stars; one submission).

Conditions:
Alpha thalassemia-X-linked intellectual disability syndrome (ATRX). Also called: ALPHA-THALASSEMIA/MENTAL RETARDATION SYNDROME, X-LINKED; ATR, NONDELETION TYPE; ATR-X syndrome; Alpha thalassemia mental retardation syndrome, nondeletion type, X-linked; XLMR hypotonic face syndrome; X-linked alpha-thalassemia-mental retardation syndrome. Identifiers: Orphanet 847, MedGen C1845055, MONDO:0010519, OMIM 301040.

Submission:

Labcorp Genetics (formerly Invitae), Labcorp
Classification: Uncertain significance for Alpha thalassemia-X-linked intellectual disability syndrome. Last evaluated: 2022-02-20. Review status: criteria provided, single submitter. Criteria: Invitae Variant Classification Sherloc (09022015). Collection method: clinical testing. Allele origin: germline.
Comment: In summary, the available evidence is currently insufficient to determine the role of this variant in disease. Therefore, it has been classified as a Variant of Uncertain Significance. Advanced modeling of protein sequence and biophysical properties (such as structural, functional, and spatial information, amino acid conservation, physicochemical variation, residue mobility, and thermodynamic stability) performed at Invitae indicates that this missense variant is not expected to disrupt ATRX protein function. This variant has not been reported in the literature in individuals affected with ATRX-related conditions. This variant is not present in population databases (gnomAD no frequency). This sequence change replaces histidine, which is basic and polar, with arginine, which is basic and polar, at codon 1363 of the ATRX protein (p.His1363Arg).

NM_000489.6(ATRX):c.4088A>G (p.His1363Arg)

Gene: ATRX (ATRX chromatin remodeler; minus strand). Cytogenetic location: Xq21.1.
Variant type: single nucleotide variant.
Coding change: c.4088A>G on transcript NM_000489.6 (MANE Select); coding-DNA position 4088, A replaced by G.
Protein change: p.His1363Arg; replaces histidine 1363 with arginine.
Molecular consequence: missense variant.
Genome position (GRCh38, 1-based): chrX:77,663,414, T>C on the plus strand (A>G on the coding strand, the complement: ATRX is on the minus strand). VCF-style: chrX-77663414-T-C. GRCh37 (hg19) VCF-style: chrX-76918903-T-C.
Other names: c.3974A>G, p.His1325Arg (NM_138270.5); short protein forms H1363R, H1325R.
Identifiers: ClinVar variation 2090914 (VCV002090914.4), dbSNP rs2070036229, ClinGen allele CA413699452.